The following is an entry in ClinVar:

NM_032447.5(FBN3):c.1640_1641del (p.Leu547fs)

Gene: FBN3 (fibrillin 3; minus strand). Cytogenetic location: 19p13.2.
Variant type: Microsatellite.
Coding change: c.1640_1641del on transcript NM_032447.5 (MANE Select); coding-DNA positions 1640 to 1641, 2 bases deleted (TC; older notation c.1640_1641delTC).
Protein change: p.Leu547fs; shifts the reading frame from leucine 547.
Molecular consequence: frameshift variant.
Genome position (GRCh38, 1-based): chr19:8,133,057-8,133,058, GA deleted on the plus strand (TC on the coding strand, the reverse complement: FBN3 is on the minus strand); deleting any 2 consecutive bases within chr19:8,133,057-8,133,060 gives the same sequence; the c. name uses the placement nearest the transcript's 3' end. VCF-style (leftmost placement, unchanged base first): chr19-8133056-TGA-T. GRCh37 (hg19) VCF-style: chr19-8197940-TGA-T.
Other names: c.1640_1641del, p.Leu547fs (NM_001321431.2); short protein forms L547fs.
Identifiers: ClinVar variation 4770568 (VCV004770568.1).
Genomic context (GRCh38, chr19:8,133,056, plus strand): 5'-GGCCGCCAGGCGCCAGCAGGAAGCCGGGTTTGCAGAGGCAGGAGAAGCTGCCATCCTCGT[TGA>T]GACACACGCCGTTGACGCACATGGTGCTGGTGGCACACTCGTTGTGGTCTGGGGACAACA-3'

ClinVar aggregate classification (germline): Uncertain significance (1 of 4 stars; one submission).

Submission:

Labcorp Genetics (formerly Invitae), Labcorp
Classification: Uncertain significance. Last evaluated: 2026-01-12. Review status: criteria provided, single submitter. Criteria: Invitae Variant Classification Sherloc (09022015). Collection method: clinical testing. Allele origin: germline.
Comment: This sequence change creates a premature translational stop signal (p.Leu547Glnfs*27) in the FBN3 gene. It is expected to result in an absent or disrupted protein product. However, the current clinical and genetic evidence is not sufficient to establish whether loss-of-function variants in FBN3 cause disease. This variant is present in population databases (no rsID available, gnomAD 0.007%). This variant has not been reported in the literature in individuals affected with FBN3-related conditions. In summary, the available evidence is currently insufficient to determine the role of this variant in disease. Therefore, it has been classified as a Variant of Uncertain Significance.